The following is an entry in ClinVar:

ClinVar aggregate classification (germline): Uncertain significance. Review status: criteria provided, multiple submitters, no conflicts (2 of 4 stars). 3 submissions from 3 submitters: Uncertain significance (3). Last evaluated 2026-01-26.

Allele frequency attached by ClinVar (database versions not stated): gnomAD 0.00062 and 0.00066; ExAC 0.00067; gnomAD exomes 0.00068 and 0.00091; ESP Exome Variant Server 0.00089; TOPMed 0.00091.
gnomAD v4.1: 1,433 of 1,613,160 alleles (0.089%); highest among the groups gnomAD compares: Non-Finnish European, 0.11%; 2 homozygotes.

Submissions (3):

Labcorp Genetics (formerly Invitae), Labcorp
Classification: Uncertain significance. Last evaluated: 2026-01-26. Review status: criteria provided, single submitter. Criteria: Invitae Variant Classification Sherloc (09022015). Collection method: clinical testing. Allele origin: germline.
Comment: This sequence change replaces threonine, which is neutral and polar, with methionine, which is neutral and non-polar, at codon 494 of the RELB protein (p.Thr494Met). This variant is present in population databases (rs199555394, gnomAD 0.1%), and has an allele count higher than expected for a pathogenic variant. This variant has not been reported in the literature in individuals affected with RELB-related conditions. ClinVar contains an entry for this variant (Variation ID: 1038202). An algorithm developed to predict the effect of missense changes on protein structure and function (PolyPhen-2) suggests that this variant is likely to be tolerated. In summary, the available evidence is currently insufficient to determine the role of this variant in disease. Therefore, it has been classified as a Variant of Uncertain Significance.

Blueprint Genetics
Classification: Uncertain significance. Last evaluated: 2024-10-09. Review status: criteria provided, single submitter. Criteria: ACMG Guidelines, 2015. Collection method: clinical testing. Allele origin: germline.

CeGaT Center for Human Genetics Tuebingen
Classification: Uncertain significance. Last evaluated: 2021-07-01. Review status: criteria provided, single submitter. Criteria: CeGaT Center For Human Genetics Tuebingen Variant Classification Criteria Version 2. Collection method: clinical testing. Allele origin: germline. Affected: yes. Observed: 1 variant allele.

NM_006509.4(RELB):c.1481C>T (p.Thr494Met)

Gene: RELB (RELB proto-oncogene, NF-kB subunit; plus strand). Cytogenetic location: 19q13.32.
Variant type: single nucleotide variant.
Coding change: c.1481C>T on transcript NM_006509.4 (MANE Select); coding-DNA position 1481, C replaced by T.
Protein change: p.Thr494Met; replaces threonine 494 with methionine.
Molecular consequence: missense variant.
Genome position (GRCh38, 1-based): chr19:45,037,531, C>T. VCF-style: chr19-45037531-C-T. GRCh37 (hg19) VCF-style: chr19-45540789-C-T.
Other names: short protein forms T494M.
Identifiers: ClinVar variation 1038202 (VCV001038202.42), dbSNP rs199555394, ClinGen allele CA9507883.